The following is an entry in ClinVar:

ClinVar aggregate classification (germline): Pathogenic. Review status: criteria provided, multiple submitters, no conflicts (2 of 4 stars). 2 submissions from 2 submitters: Pathogenic (2). Last evaluated 2024-02-16.

Conditions:
Macrocephaly/megalencephaly syndrome, autosomal recessive (MGCPH). Also called: Fryns Dereymaeker Haegeman syndrome. Identifiers: MedGen C3806412, MONDO:0009544, OMIM 248000.

Allele frequency attached by ClinVar (database versions not stated): gnomAD exomes 0.00006; ExAC 0.00002; gnomAD 0.00002; TOPMed 0.00002.

Submissions (2):

Women's Health and Genetics/Laboratory Corporation of America, LabCorp
Classification: Pathogenic for Macrocephaly/megalencephaly syndrome, autosomal recessive. Last evaluated: 2024-02-16. Review status: criteria provided, single submitter. Criteria: LabCorp Variant Classification Summary - May 2015. Collection method: clinical testing. Allele origin: germline.
Comment: Variant summary: TBC1D7 c.322dupT (p.Tyr108LeufsX24) results in a premature termination codon, predicted to cause a truncation of the encoded protein or absence of the protein due to nonsense mediated decay, which are commonly known mechanisms for disease. The variant allele was found at a frequency of 1.2e-05 in 251480 control chromosomes (gnomAD). The available data on variant occurrences in the general population are insufficient to allow any conclusion about variant significance. To our knowledge, no occurrence of c.322dupT in individuals affected with Macrocephaly/megalencephaly Syndrome, Autosomal Recessive and no experimental evidence demonstrating its impact on protein function have been reported. ClinVar contains an entry for this variant (Variation ID: 2062902). Based on the evidence outlined above, the variant was classified as pathogenic.

Labcorp Genetics (formerly Invitae), Labcorp
Classification: Pathogenic. Last evaluated: 2022-07-05. Review status: criteria provided, single submitter. Criteria: Invitae Variant Classification Sherloc (09022015). Collection method: clinical testing. Allele origin: germline.
Comment: This sequence change creates a premature translational stop signal (p.Tyr108Leufs*24) in the TBC1D7 gene. It is expected to result in an absent or disrupted protein product. Loss-of-function variants in TBC1D7 are known to be pathogenic (PMID: 23687350, 24515783). This variant is present in population databases (rs758759342, gnomAD 0.004%). This variant has not been reported in the literature in individuals affected with TBC1D7-related conditions. For these reasons, this variant has been classified as Pathogenic.

Literature cited by the submitters: PubMed 23687350 (cited by Labcorp Genetics (formerly Invitae), Labcorp); PubMed 24515783 (cited by Labcorp Genetics (formerly Invitae), Labcorp).

NM_016495.6(TBC1D7):c.322dup (p.Tyr108fs)

Genes: TBC1D7 (TBC1 domain family member 7; minus strand), TBC1D7-LOC100130357 (TBC1D7-LOC100130357 readthrough; minus strand). Cytogenetic location: 6p24.1.
Variant type: Duplication.
Coding change: c.322dup on transcript NM_016495.6 (MANE Select); coding-DNA position 322, one base duplicated (T; older notation c.322dupT).
Protein change: p.Tyr108fs; shifts the reading frame from tyrosine 108.
Molecular consequence: frameshift variant. On other transcripts: non-coding transcript variant (1).
Genome position (GRCh38, 1-based): chr6:13,320,967, A duplicated on the plus strand (T on the coding strand, the reverse complement: TBC1D7 is on the minus strand). VCF-style (leftmost placement, unchanged base first): chr6-13320966-T-TA. GRCh37 (hg19) VCF-style: chr6-13321198-T-TA.
Other names: c.322dupT (NM_001143965.4); c.322dup, p.Tyr108fs (NM_001318809.2, NM_001143964.4, NM_001143965.4 and 2 more transcripts); c.241dup, p.Tyr81fs (NM_001143966.4, NM_001318806.2); short protein forms Y108fs, Y81fs.
Identifiers: ClinVar variation 2062902 (VCV002062902.3), dbSNP rs758759342, ClinGen allele CA3639820.